The following is an entry in ClinVar:

ClinVar aggregate classification (germline): Conflicting classifications of pathogenicity. Review status: criteria provided, conflicting classifications (1 of 4 stars). 5 submissions from 5 submitters: Uncertain significance (4); Likely benign (1). Last evaluated 2026-10-01.

Conditions:
Inborn genetic diseases. Identifiers: MedGen C0950123, MeSH D030342.
Fanconi anemia complementation group Q. Identifiers: Orphanet 84, MedGen C3808988, MONDO:0014108, OMIM 615272.
Cockayne syndrome. Identifiers: Orphanet 191, MedGen C0009207, MONDO:0016006.
Xeroderma pigmentosum, group F (XPF). Also called: XERODERMA PIGMENTOSUM, COMPLEMENTATION GROUP F; ERCC4-Related Xeroderma Pigmentosum; XERODERMA PIGMENTOSUM, TYPE F; Xeroderma pigmentosum, type 6; XERODERMA PIGMENTOSUM VI; XP, GROUP F. Identifiers: MedGen C0268140, MONDO:0010215, OMIM 278760.

Allele frequency attached by ClinVar (database versions not stated): TOPMed 0.00030; ESP Exome Variant Server 0.00054; 1000 Genomes Project 30x 0.00062; 1000 Genomes Project 0.00080.
gnomAD v4.1: 100 of 1,612,692 alleles (0.0062%); highest among the groups gnomAD compares: African/African-American, 0.11%; no homozygotes.

Submissions (6):

St. Jude Molecular Pathology, St. Jude Children's Research Hospital
Classification: Uncertain significance for Xeroderma pigmentosum, group F. Last evaluated: 2026-10-01. Review status: criteria provided, single submitter. Criteria: St. Jude Assertion Criteria 2020. Collection method: clinical testing. Allele origin: germline.
Comment: The ERCC4 c.1031A>T p.(Tyr344Phe) missense change has a maximum subpopulation frequency of 0.1% in gnomAD v2.1.1. The in silico tool REVEL predicts a benign effect on protein function, but to our knowledge this prediction has not been confirmed by functional studies. To our knowledge, this variant has not been reported in the literature in individuals with Fanconi anemia or Xeroderma pigmentosum. In summary, the evidence currently available is insufficient to determine the clinical significance of this variant. It has therefore been classified as of uncertain significance.

Labcorp Genetics (formerly Invitae), Labcorp
Classification: Likely benign for Fanconi anemia complementation group Q; Xeroderma pigmentosum, group F; Cockayne syndrome. Last evaluated: 2026-02-02. Review status: criteria provided, single submitter. Criteria: Invitae Variant Classification Sherloc (09022015). Collection method: clinical testing. Allele origin: germline.

Ambry Genetics
Classification: Uncertain significance for Inborn genetic diseases. Last evaluated: 2025-10-24. Review status: criteria provided, single submitter. Criteria: Ambry Variant Classification Scheme 2023. Collection method: clinical testing. Allele origin: germline.

Blueprint Genetics
Classification: Uncertain significance. Last evaluated: 2022-01-31. Review status: criteria provided, single submitter. Criteria: ACMG Guidelines, 2015. Collection method: clinical testing. Allele origin: germline.

Baylor Genetics
Classification: Uncertain significance for Fanconi anemia complementation group Q. Last evaluated: 2020-01-07. Review status: criteria provided, single submitter. Criteria: ACMG Guidelines, 2015. Collection method: clinical testing. Allele origin: unknown. Affected: yes. Study: CSER-TexasKidsCanSeq.
Comment: This variant was determined to be of uncertain significance according to ACMG Guidelines, 2015 [PMID:25741868].

Dr. Peter K. Rogan Lab, Western University
No classification provided (evidence only). Condition: Malignant tumor of esophagus. Review status: no classification provided. Collection method: in vitro. Allele origin: not applicable. Functional consequence: retained intron. Not counted in ClinVar's aggregate classification.

NM_005236.3(ERCC4):c.1031A>T (p.Tyr344Phe)

Gene: ERCC4 (ERCC excision repair 4, endonuclease catalytic subunit; plus strand). Cytogenetic location: 16p13.12.
Variant type: single nucleotide variant.
Coding change: c.1031A>T on transcript NM_005236.3 (MANE Select); coding-DNA position 1031, A replaced by T.
Protein change: p.Tyr344Phe; replaces tyrosine 344 with phenylalanine.
Molecular consequence: missense variant.
Genome position (GRCh38, 1-based): chr16:13,932,214, A>T. VCF-style: chr16-13932214-A-T. GRCh37 (hg19) VCF-style: chr16-14026071-A-T.
Other names: short protein forms Y344F.
Identifiers: ClinVar variation 474200 (VCV000474200.15), dbSNP rs145851520, ClinGen allele CA7910342.